The following is an entry in ClinVar:

NM_003900.5(SQSTM1):c.311_312del (p.Glu104fs)

Gene: SQSTM1 (sequestosome 1; plus strand). Cytogenetic location: 5q35.3.
Variant type: Microsatellite.
Coding change: c.311_312del on transcript NM_003900.5 (MANE Select); coding-DNA positions 311 to 312, 2 bases deleted (AG; older notation c.311_312delAG).
Protein change: p.Glu104fs; shifts the reading frame from glutamic acid 104.
Molecular consequence: frameshift variant.
Genome position (GRCh38, 1-based): chr5:179,823,867-179,823,868, AG deleted; deleting any 2 consecutive bases within chr5:179,823,865-179,823,868 gives the same sequence; the c. name uses the placement nearest the transcript's 3' end. VCF-style (leftmost placement, unchanged base first): chr5-179823864-AAG-A. GRCh37 (hg19) VCF-style: chr5-179250864-AAG-A.
Other names: NM_003900.5(SQSTM1):c.311_312del; p.Glu104fs; c.59_60del, p.Glu20fs (NM_001142298.2, NM_001142299.2); short protein forms E104fs, E20fs.
Identifiers: ClinVar variation 265781 (VCV000265781.3), dbSNP rs886039781, ClinGen allele CA10588824.
Genomic context (GRCh38, chr5:179,823,864, plus strand): 5'-GGGGGAGGACTTTAGGGGGTCCCACCCTAGCGGCTCTCTTTACCCTTCCTGTAGAGAAAA[AAG>A]AGTGCCGGCGGGACCACCGCCCACCGTGTGCTCAGGAGGCGCCCCGCAACATGGTGCACC-3'

ClinVar aggregate classification (germline): Pathogenic. Review status: criteria provided, multiple submitters, no conflicts (2 of 4 stars). 3 submissions from 3 submitters: Pathogenic (2). 1 of the submissions does not count toward it. Last evaluated 2024-10-04.

Conditions:
Neurodegeneration with ataxia.
Neurodegeneration with ataxia, dystonia, and gaze palsy, childhood-onset (NADGP). Identifiers: MedGen C4310693, MONDO:0014940, OMIM 617145.

Submissions (3):

Dubai Health Genomic Medicine Center, Dubai Health
Classification: Pathogenic for Neurodegeneration with ataxia. Last evaluated: 2024-10-04. Review status: criteria provided, single submitter. Criteria: ACMG Guidelines, 2015. Collection method: research. Allele origin: germline. Affected: yes.
Comment: PVS1,PP1,PM3,PM2

Broad Center for Mendelian Genomics, Broad Institute of MIT and Harvard
Classification: Pathogenic for Neurodegeneration with ataxia, dystonia, and gaze palsy, childhood-onset. Last evaluated: 2023-05-02. Review status: criteria provided, single submitter. Criteria: ACMG Guidelines, 2015. Collection method: curation. Allele origin: germline. Inheritance: Autosomal recessive inheritance.
Comment: The p.Glu104ValfsTer48 variant in SQSTM1 has been previously reported in 3 siblings from one family with childhood-onset neurodegeneration with ataxia, dystonia, and gaze palsy (PMID: 27545679) and segregated with disease in this family, but has been identified in 0.000008% (1/125568) of chromosomes by TopMed Bravo (dbSNP ID: rs748170760). Although this variant has been seen in the general population in a heterozygous state, its frequency is low enough to be consistent with a recessive carrier frequency. These previously reported individuals (PMID: 27545679) and the individual identified by our study were homozygotes, which increases the likelihood that the p.Glu104ValfsTer48 variant in SQSTM1 is pathogenic. This variant has also been reported in ClinVar (Variation ID: 265781) and has been interpreted as pathogenic by OMIM. This variant is predicted to cause a frameshift, which alters the protein‚Äôs amino acid sequence beginning at position 104 and leads to a premature termination codon 48 amino acids downstream. This alteration is then predicted to lead to a truncated or absent protein. Loss of function of the SQSTM1 gene is an established disease mechanism in autosomal recessive childhood-onset neurodegeneration with ataxia, dystonia, and gaze palsy. In summary, this variant meets criteria to be classified as pathogenic for autosomal recessive childhood-onset neurodegeneration with ataxia, dystonia, and gaze palsy. ACMG/AMP Criteria applied: PVS1, PM2_Supporting, PM3, PP1 (Richards 2015).

OMIM
Classification: Pathogenic for NEURODEGENERATION WITH ATAXIA, DYSTONIA, AND GAZE PALSY, CHILDHOOD-ONSET. Last evaluated: 2016-10-10. Review status: no assertion criteria provided. Collection method: literature only. Allele origin: germline. Not counted in ClinVar's aggregate classification.

Literature cited by the submitters: PubMed 27545679 (cited by OMIM).